The following is an entry in ClinVar:

ClinVar aggregate classification (germline): Conflicting classifications of pathogenicity. Review status: criteria provided, conflicting classifications (1 of 4 stars). 6 submissions from 6 submitters: Uncertain significance (5); Likely benign (1). Last evaluated 2025-12-22.

Conditions:
Cardiovascular phenotype. Identifiers: MedGen CN230736.
Arrhythmogenic right ventricular dysplasia 8 (ARVD8). Also called: Arrhythmogenic Right Ventricular Dysplasia/Cardiomyopathy 8; ARRHYTHMOGENIC RIGHT VENTRICULAR DYSPLASIA, FAMILIAL, 8; ARRHYTHMOGENIC RIGHT VENTRICULAR CARDIOMYOPATHY 8. Identifiers: MedGen C1843896, MONDO:0011831, OMIM 607450.
Arrhythmogenic cardiomyopathy with wooly hair and keratoderma. Also called: PALMOPLANTAR KERATODERMA WITH LEFT VENTRICULAR CARDIOMYOPATHY AND WOOLLY HAIR; Carvajal syndrome; Dilated cardiomyopathy with woolly hair and keratoderma; Arrhythmogenic cardiomyopathy with woolly hair and keratoderma. Identifiers: Orphanet 65282, MedGen C1854063, MONDO:0011581, OMIM 605676.
Cardiomyopathy (CMYO). Also called: Cardiomyopathies. Identifiers: Orphanet 167848, MedGen C0878544, MONDO:0004994, HP:0001638. Inheritance: Various modes of inheritance.
Keratosis palmoplantaris striata 2. Also called: KERATODERMA, PALMOPLANTAR, STRIATE FORM II; STRIATE PALMOPLANTAR KERATODERMA II; Keratosis palmoplantaris striata II. Identifiers: MedGen C1852127, MONDO:0013034, OMIM 612908.
Woolly hair-skin fragility syndrome (WHSF). Identifiers: Orphanet 293165, MedGen C1843292, MONDO:0957307, OMIM 620415.
Cardiomyopathy, dilated, with wooly hair, keratoderma, and tooth agenesis. Also called: Cardiomyopathy, dilated, with woolly hair, keratoderma, and tooth agenesis; Erythrokeratodermia-cardiomyopathy syndrome. Identifiers: Orphanet 476096, Orphanet 65282, MedGen C4014393, MONDO:0014355, OMIM 615821.
Lethal acantholytic epidermolysis bullosa (EBLA). Identifiers: Orphanet 158687, MedGen C1864826, MONDO:0012323, OMIM 609638.

Allele frequency attached by ClinVar (database versions not stated): gnomAD 0.00001; gnomAD exomes 0.00001 and 0.00002; TOPMed 0.00001; ExAC 0.00002.
gnomAD v4.1: 22 of 1,608,012 alleles (0.0014%); highest among the groups gnomAD compares: African/African-American, 0.0027%; no homozygotes.

Submissions (6):

Labcorp Genetics (formerly Invitae), Labcorp
Classification: Likely benign for Arrhythmogenic cardiomyopathy with wooly hair and keratoderma; Arrhythmogenic right ventricular dysplasia 8. Last evaluated: 2025-12-22. Review status: criteria provided, single submitter. Criteria: Invitae Variant Classification Sherloc (09022015). Collection method: clinical testing. Allele origin: germline.

Ambry Genetics
Classification: Uncertain significance for Cardiovascular phenotype. Last evaluated: 2025-09-25. Review status: criteria provided, single submitter. Criteria: Ambry Variant Classification Scheme 2023. Collection method: clinical testing. Allele origin: germline.
Comment: The p.S2833C variant (also known as c.8498C>G), located in coding exon 24 of the DSP gene, results from a C to G substitution at nucleotide position 8498. The serine at codon 2833 is replaced by cysteine, an amino acid with dissimilar properties. This variant was reported in individual(s) with features consistent with DSP-related cardiomyopathy (Mazzarotto F et al. Circulation, 2020 Feb;141:387-398; Vallverd&uacute;-Prats M et al. J Pers Med, 2021 Feb;11:). This amino acid position is highly conserved in available vertebrate species. In addition, the in silico prediction for this alteration is inconclusive. Based on the available evidence, the clinical significance of this variant remains unclear.

All of Us Research Program, National Institutes of Health
Classification: Uncertain significance for Arrhythmogenic cardiomyopathy with wooly hair and keratoderma. Last evaluated: 2024-05-09. Review status: criteria provided, single submitter. Criteria: ACMG Guidelines, 2015. Collection method: clinical testing. Allele origin: germline. Inheritance: Autosomal dominant inheritance. Observed: 5 variant alleles, 5 heterozygotes.
Comment: This missense variant replaces serine with cysteine at codon 2833 of the DSP protein. Computational prediction suggests that this variant may not impact protein structure and function (internally defined REVEL score threshold <= 0.5, PMID: 27666373). To our knowledge, functional studies have not been reported for this variant. This variant has been reported in an individual affected with arrhythmogenic cardiomyopathy (PMID: 33652588) and in an individual affected with dilated cardiomyopathy (PMID: 31983221). This variant has been identified in 3/246912 chromosomes in the general population by the Genome Aggregation Database (gnomAD). The available evidence is insufficient to determine the role of this variant in disease conclusively. Therefore, this variant is classified as a Variant of Uncertain Significance.

This study involves interpretation of variants in research participants for the purpose of population health screening. Participant phenotype was not available at the time of variant classification. Additional details can be found in publication PMID: 35346344, PMCID: PMC8962531

Color Diagnostics, LLC DBA Color Health
Classification: Uncertain significance for Cardiomyopathy. Last evaluated: 2023-12-04. Review status: criteria provided, single submitter. Criteria: ACMG Guidelines, 2015. Collection method: clinical testing. Allele origin: germline.
Comment: This missense variant replaces serine with cysteine at codon 2833 of the DSP protein. Computational prediction suggests that this variant may not impact protein structure and function (internally defined REVEL score threshold <= 0.5, PMID: 27666373). To our knowledge, functional studies have not been reported for this variant. This variant has been reported in an individual affected with arrhythmogenic cardiomyopathy (PMID: 33652588) and in an individual affected with dilated cardiomyopathy (PMID: 31983221). This variant has been identified in 3/246912 chromosomes in the general population by the Genome Aggregation Database (gnomAD). The available evidence is insufficient to determine the role of this variant in disease conclusively. Therefore, this variant is classified as a Variant of Uncertain Significance.

Fulgent Genetics
Classification: Uncertain significance for Arrhythmogenic cardiomyopathy with wooly hair and keratoderma; Arrhythmogenic right ventricular dysplasia 8; Lethal acantholytic epidermolysis bullosa; Keratosis palmoplantaris striata 2; Cardiomyopathy, dilated, with wooly hair, keratoderma, and tooth agenesis. Last evaluated: 2021-08-23. Review status: criteria provided, single submitter. Criteria: ACMG Guidelines, 2015. Collection method: clinical testing. Allele origin: unknown.

GeneDx
Classification: Uncertain significance. Last evaluated: 2019-09-09. Review status: criteria provided, single submitter. Criteria: GeneDx Variant Classification Process June 2021. Collection method: clinical testing. Allele origin: germline. Affected: yes.
Comment: Has not been previously published as pathogenic or benign to our knowledge; Not observed at a significant frequency in large population cohorts (Lek et al., 2016); In silico analysis, which includes protein predictors and evolutionary conservation, supports a deleterious effect; This variant is associated with the following publications: (PMID: 31983221)

Literature cited by the submitters: PubMed 31983221 (cited by 3 submitters); PubMed 33652588 (cited by 3 submitters).

NM_004415.4(DSP):c.8498C>G (p.Ser2833Cys)

Gene: DSP (desmoplakin; plus strand). Cytogenetic location: 6p24.3.
Variant type: single nucleotide variant.
Coding change: c.8498C>G on transcript NM_004415.4 (MANE Select); coding-DNA position 8498, C replaced by G.
Protein change: p.Ser2833Cys; replaces serine 2833 with cysteine.
Molecular consequence: missense variant.
Genome position (GRCh38, 1-based): chr6:7,585,760, C>G. VCF-style: chr6-7585760-C-G. GRCh37 (hg19) VCF-style: chr6-7585993-C-G.
Other names: c.6701C>G, p.Ser2234Cys (NM_001008844.3); c.7169C>G, p.Ser2390Cys (NM_001319034.2); short protein forms S2390C, S2234C, S2833C.
Identifiers: ClinVar variation 924608 (VCV000924608.21), dbSNP rs767961179, ClinGen allele CA052592.
Genomic context (GRCh38, chr6:7,585,760, plus strand): 5'-TACCCAGCCCTTACAACATGTCTTCGGCTCCGGGGTCCCGCTCCGGCTCCCGCTCGGGAT[C>G]TCGCTCCGGATCTCGCTCCGGGTCCCGCAGTGGGTCCCGGAGAGGAAGCTTTGACGCCAC-3'
Protein context (NP_004406.2, residues 2823-2843): PGSRSGSRSG[Ser2833Cys]RSGSRSGSRS